The following is an entry in ClinVar:

NM_021930.6(RINT1):c.1088G>T (p.Gly363Val)

Gene: RINT1 (RAD50 interactor 1; plus strand). Cytogenetic location: 7q22.3.
Variant type: single nucleotide variant.
Coding change: c.1088G>T on transcript NM_021930.6 (MANE Select); coding-DNA position 1088, G replaced by T.
Protein change: p.Gly363Val; replaces glycine 363 with valine.
Molecular consequence: missense variant. On other transcripts: non-coding transcript variant (1).
Genome position (GRCh38, 1-based): chr7:105,550,146, G>T. VCF-style: chr7-105550146-G-T. GRCh37 (hg19) VCF-style: chr7-105190593-G-T.
Other names: c.854G>T, p.Gly285Val (NM_001346599.2); c.65G>T, p.Gly22Val (NM_001346600.2, NM_001346603.2); c.164G>T, p.Gly55Val (NM_001346601.2); short protein forms G22V, G285V, G363V, G55V.
Identifiers: ClinVar variation 4863343 (VCV004863343.1).
Genomic context (GRCh38, chr7:105,550,146, plus strand): 5'-GGATTGGAAACCATACTGAATTTCTGGATGAGAAGATTCAGCCAATATTAGACAAAGTAG[G>T]CTCTTTGGTAAACGCAAGGGTAAGAGACTCAGTCATAAGTGTTTCTGTTTTAGAACTGTA-3'
Protein context (NP_068749.3, residues 353-373): EKIQPILDKV[Gly363Val]SLVNARLEFS

ClinVar aggregate classification (germline): Uncertain significance (1 of 4 stars; one submission).

Submission:

Ambry Genetics
Classification: Uncertain significance. Last evaluated: 2026-05-27. Review status: criteria provided, single submitter. Criteria: Ambry Variant Classification Scheme 2023. Collection method: clinical testing. Allele origin: germline.
Comment: The p.G363V variant (also known as c.1088G>T), located in coding exon 8 of the RINT1 gene, results from a G to T substitution at nucleotide position 1088. The glycine at codon 363 is replaced by valine, an amino acid with dissimilar properties. This amino acid position is conserved. In addition, this alteration is predicted to be tolerated by in silico analysis. Based on the available evidence, the clinical significance of this variant remains unclear.